The following is an entry in ClinVar:

ClinVar aggregate classification (germline): Likely benign. Review status: criteria provided, multiple submitters, no conflicts (2 of 4 stars). 3 submissions from 3 submitters: Likely benign (2). 1 of the submissions does not count toward it. Last evaluated 2025-12-19.

Conditions:
HPS6-related disorder. Also called: HPS6-related condition.

Allele frequency attached by ClinVar (database versions not stated): gnomAD 0.00006 and 0.00008; TOPMed 0.00006; ESP Exome Variant Server 0.00008; gnomAD exomes 0.00009 and 0.00013; ExAC 0.00012.

Submissions (3):

Labcorp Genetics (formerly Invitae), Labcorp
Classification: Likely benign. Last evaluated: 2025-12-19. Review status: criteria provided, single submitter. Criteria: Invitae Variant Classification Sherloc (09022015). Collection method: clinical testing. Allele origin: germline.

Blueprint Genetics
Classification: Likely benign. Last evaluated: 2024-05-29. Review status: criteria provided, single submitter. Criteria: ACMG Guidelines, 2015. Collection method: clinical testing. Allele origin: germline.

PreventionGenetics, part of Exact Sciences
Classification: Likely benign for HPS6-related condition. Last evaluated: 2019-03-01. Review status: no assertion criteria provided. Collection method: clinical testing. Allele origin: germline. Not counted in ClinVar's aggregate classification.
Comment: This variant is classified as likely benign based on ACMG/AMP sequence variant interpretation guidelines (Richards et al. 2015 PMID: 25741868, with internal and published modifications).

NM_024747.6(HPS6):c.510C>T (p.Pro170=)

Gene: HPS6 (HPS6 biogenesis of lysosomal organelles complex 2 subunit 3; plus strand). Cytogenetic location: 10q24.32.
Variant type: single nucleotide variant.
Coding change: c.510C>T on transcript NM_024747.6 (MANE Select); coding-DNA position 510, C replaced by T.
Protein change: p.Pro170=; no amino-acid change (proline 170 retained).
Molecular consequence: synonymous variant.
Genome position (GRCh38, 1-based): chr10:102,065,984, C>T. VCF-style: chr10-102065984-C-T. GRCh37 (hg19) VCF-style: chr10-103825741-C-T.
Other names: c.510C>T (NM_024747.5).
Identifiers: ClinVar variation 1561229 (VCV001561229.11), dbSNP rs376690720, ClinGen allele CA5659792.